The following is an entry in ClinVar:

NM_002878.4(RAD51D):c.301G>T (p.Glu101Ter)

Genes: RAD51D (RAD51 paralog D; minus strand), RAD51L3-RFFL (RAD51L3-RFFL readthrough; minus strand). Cytogenetic location: 17q12.
Variant type: single nucleotide variant.
Coding change: c.301G>T on transcript NM_002878.4 (MANE Select); coding-DNA position 301, G replaced by T.
Protein change: p.Glu101Ter; replaces glutamic acid 101 with a stop codon.
Molecular consequence: nonsense. On other transcripts: non-coding transcript variant (2), intron variant (1).
Genome position (GRCh38, 1-based): chr17:35,107,410, C>A on the plus strand (G>T on the coding strand, the complement: RAD51D is on the minus strand). VCF-style: chr17-35107410-C-A. GRCh37 (hg19) VCF-style: chr17-33434429-C-A.
Other names: c.361G>T, p.Glu121Ter (NM_001142571.2); c.145-929G>T (NM_133629.3); short protein forms E101*, E121*.
Identifiers: ClinVar variation 1798902 (VCV001798902.2), dbSNP rs1060502951, ClinGen allele CA399089964.

ClinVar aggregate classification (germline): Pathogenic (1 of 4 stars; one submission).

Conditions:
Hereditary cancer-predisposing syndrome. Also called: Neoplastic Syndromes, Hereditary; Tumor predisposition; Hereditary Cancer Syndrome; Hereditary neoplastic syndrome. Identifiers: Orphanet 140162, MedGen C0027672, MeSH D009386, MONDO:0015356.

Submission:

Ambry Genetics
Classification: Pathogenic for Hereditary cancer-predisposing syndrome. Last evaluated: 2018-08-03. Review status: criteria provided, single submitter. Criteria: Ambry Variant Classification Scheme 2023. Collection method: clinical testing. Allele origin: germline.
Comment: The p.E101* pathogenic mutation (also known as c.301G>T), located in coding exon 4 of the RAD51D gene, results from a G to T substitution at nucleotide position 301. This changes the amino acid from a glutamic acid to a stop codon within coding exon 4. This alteration is expected to result in loss of function by premature protein truncation or nonsense-mediated mRNA decay. As such, this alteration is interpreted as a disease-causing mutation.